The following is an entry in ClinVar:

ClinVar aggregate classification (germline): Uncertain significance. Review status: criteria provided, multiple submitters, no conflicts (2 of 4 stars). 2 submissions from 2 submitters: Uncertain significance (2). Last evaluated 2024-04-24.

Conditions:
Leigh syndrome (NULS). Also called: Leigh's syndrome; Leigh Syndrome (mtDNA deletion); Leigh Disease; Subacute necrotizing encephalopathy; Necrotizing encephalopathy infantile subacute of Leigh; Leigh's necrotizing encephalopathy. Identifiers: Orphanet 506, MedGen C2931891, MONDO:0009723, OMIM 256000.
Leber optic atrophy (LHON). Also called: Optic Atrophy, Hereditary, Leber; Leber hereditary optic neuropathy; Leber's disease; Leber's optic atrophy. Identifiers: Orphanet 104, MedGen C0917796, MONDO:0010788, OMIM 535000, HP:0001112.

Submissions (2):

Diagnostics Services (NGS), CSIR - Centre For Cellular And Molecular Biology
Classification: Uncertain significance for Leber optic atrophy. Last evaluated: 2024-04-24. Review status: criteria provided, single submitter. Criteria: ACMG Guidelines, 2015. Collection method: clinical testing. Allele origin: unknown. Inheritance: Mitochondrial inheritance. Affected: yes. Observed: 1 variant allele, 1 homozygote.
Comment: The m.13760C>T variant is not present in publicly available population databases like mtDB and our in-house exome database. The variant is present in the gnomAD, MITOMAP and HelixMtdb databases at low frequencies. This variant has not been published in literature with MT-ND5-related conditions. It has been previously reported to the ClinVar database as ‘Uncertain significance’ by a single submitter. This variant is present in the MitImpact database (ID: MI.22300). Predictions from different in-silico pathogenicity prediction programs like SIFT, PolyPhen-2, CADD, APOGEE1, APOGEE2, Varsome, Franklin etc are contradictory.

Wong Mito Lab, Molecular and Human Genetics, Baylor College of Medicine
Classification: Uncertain significance for Leigh syndrome. Last evaluated: 2019-10-17. Review status: criteria provided, single submitter. Criteria: Modified ACMG Guidelines (Unpublished). Collection method: clinical testing. Allele origin: germline.
Comment: The NC_012920.1:m.13760C>T (YP_003024036.1:p.Ala475Val) variant in MTND5 gene is interpretated to be a Uncertain Significance variant based on the modified ACMG guidelines (unpublished). This variant meets the following evidence codes: PM9, PP6, BP4, BP5

NC_012920.1(MT-ND5):m.13760C>T

Gene: MT-ND5 (mitochondrially encoded NADH dehydrogenase 5; plus strand).
Variant type: single nucleotide variant.
Genome position: chrM-13760-C-T.
Identifiers: ClinVar variation 693601 (VCV000693601.2), dbSNP rs1603224340, ClinGen allele CA414819406.